The following is an entry in ClinVar:

ClinVar aggregate classification (germline): Uncertain significance (1 of 4 stars; one submission).

gnomAD v4.1: 2 of 1,614,098 alleles (0.00012%); highest among the groups gnomAD compares: East Asian, 0.0022%; no homozygotes.

Submission:

Labcorp Genetics (formerly Invitae), Labcorp
Classification: Uncertain significance. Last evaluated: 2023-09-05. Review status: criteria provided, single submitter. Criteria: Invitae Variant Classification Sherloc (09022015). Collection method: clinical testing. Allele origin: germline.
Comment: In summary, the available evidence is currently insufficient to determine the role of this variant in disease. Therefore, it has been classified as a Variant of Uncertain Significance. Advanced modeling of protein sequence and biophysical properties (such as structural, functional, and spatial information, amino acid conservation, physicochemical variation, residue mobility, and thermodynamic stability) has been performed at Invitae for this missense variant, however the output from this modeling did not meet the statistical confidence thresholds required to predict the impact of this variant on ALPL protein function. This variant has not been reported in the literature in individuals affected with ALPL-related conditions. This variant is present in population databases (no rsID available, gnomAD 0.006%). This sequence change replaces threonine, which is neutral and polar, with arginine, which is basic and polar, at codon 273 of the ALPL protein (p.Thr273Arg).

NM_000478.6(ALPL):c.818C>G (p.Thr273Arg)

Gene: ALPL (alkaline phosphatase, biomineralization associated; plus strand). Cytogenetic location: 1p36.12.
Variant type: single nucleotide variant.
Coding change: c.818C>G on transcript NM_000478.6 (MANE Select); coding-DNA position 818, C replaced by G.
Protein change: p.Thr273Arg; replaces threonine 273 with arginine.
Molecular consequence: missense variant.
Genome position (GRCh38, 1-based): chr1:21,570,330, C>G. VCF-style: chr1-21570330-C-G. GRCh37 (hg19) VCF-style: chr1-21896823-C-G.
Other names: c.653C>G, p.Thr218Arg (NM_001127501.4); c.587C>G, p.Thr196Arg (NM_001177520.3); c.818C>G, p.Thr273Arg (NM_001369803.2, NM_001369804.2, NM_001369805.2); short protein forms T196R, T273R, T218R.
Identifiers: ClinVar variation 2795121 (VCV002795121.3), dbSNP rs148405563, ClinGen allele CA338879923.